The following is an entry in ClinVar:

NM_000368.5(TSC1):c.2945A>G (p.Lys982Arg)

Gene: TSC1 (TSC complex subunit 1; minus strand). Cytogenetic location: 9q34.13.
Variant type: single nucleotide variant.
Coding change: c.2945A>G on transcript NM_000368.5 (MANE Select); coding-DNA position 2945, A replaced by G.
Protein change: p.Lys982Arg; replaces lysine 982 with arginine.
Molecular consequence: missense variant.
Genome position (GRCh38, 1-based): chr9:132,897,214, T>C on the plus strand (A>G on the coding strand, the complement: TSC1 is on the minus strand). VCF-style: chr9-132897214-T-C. GRCh37 (hg19) VCF-style: chr9-135772601-T-C.
Other names: c.2942A>G, p.Lys981Arg (NM_001162426.2); c.2792A>G, p.Lys931Arg (NM_001162427.2); c.2582A>G, p.Lys861Arg (NM_001362177.2); short protein forms K982R, K931R, K981R, K861R.
Identifiers: ClinVar variation 379146 (VCV000379146.8), dbSNP rs1057520508, ClinGen allele CA16606315.

ClinVar aggregate classification (germline): Likely benign. Review status: criteria provided, multiple submitters, no conflicts (2 of 4 stars). 3 submissions from 3 submitters: Likely benign (3). Last evaluated 2026-07-13.

Conditions:
Hereditary cancer-predisposing syndrome. Also called: Neoplastic Syndromes, Hereditary; Hereditary Cancer Syndrome; Tumor predisposition; Hereditary neoplastic syndrome. Identifiers: Orphanet 140162, MedGen C0027672, MeSH D009386, MONDO:0015356.
Tuberous sclerosis 1 (TSC1). Identifiers: Orphanet 805, MedGen C1854465, MONDO:0008612, OMIM 191100.

Allele frequency attached by ClinVar (database versions not stated): gnomAD exomes 0.00001 and below 0.00001.
gnomAD v4.1: 11 of 1,614,170 alleles (0.00068%); highest among the groups gnomAD compares: Non-Finnish European, 0.00093%; no homozygotes.

Submissions (3):

Ambry Genetics
Classification: Likely benign for Hereditary cancer-predisposing syndrome. Last evaluated: 2026-07-13. Review status: criteria provided, single submitter. Criteria: Ambry Variant Classification Scheme 2023. Collection method: clinical testing. Allele origin: germline.

Labcorp Genetics (formerly Invitae), Labcorp
Classification: Likely benign for Tuberous sclerosis 1. Last evaluated: 2025-11-05. Review status: criteria provided, single submitter. Criteria: Invitae Variant Classification Sherloc (09022015). Collection method: clinical testing. Allele origin: germline.

GeneDx
Classification: Likely benign. Last evaluated: 2015-05-08. Review status: criteria provided, single submitter. Criteria: GeneDx Variant Classification (06012015). Collection method: clinical testing. Allele origin: germline. Affected: yes.
Comment: This variant is considered likely benign or benign based on one or more of the following criteria: it is a conservative change, it occurs at a poorly conserved position in the protein, it is predicted to be benign by multiple in silico algorithms, and/or has population frequency not consistent with disease.